The following is an entry in ClinVar:

ClinVar aggregate classification (germline): Likely benign. Review status: criteria provided, multiple submitters, no conflicts (2 of 4 stars). 3 submissions from 3 submitters: Likely benign (3). Last evaluated 2026-08-01.

Allele frequency attached by ClinVar (database versions not stated): TOPMed below 0.00001; gnomAD 0.00001; gnomAD exomes 0.00002; ExAC 0.00003; ESP Exome Variant Server 0.00008.
gnomAD v4.1: 39 of 1,595,078 alleles (0.0024%); highest among the groups gnomAD compares: Non-Finnish European, 0.0029%; no homozygotes.

Submissions (3):

CeGaT Center for Human Genetics Tuebingen
Classification: Likely benign. Last evaluated: 2026-08-01. Review status: criteria provided, single submitter. Criteria: CeGaT Center For Human Genetics Tuebingen Variant Classification Criteria Version 2. Collection method: clinical testing. Allele origin: germline. Affected: yes. Observed: 1 variant allele.
Comment: RIN2: BP4, BP7

Labcorp Genetics (formerly Invitae), Labcorp
Classification: Likely benign. Last evaluated: 2025-03-31. Review status: criteria provided, single submitter. Criteria: Invitae Variant Classification Sherloc (09022015). Collection method: clinical testing. Allele origin: germline.

GeneDx
Classification: Likely benign. Last evaluated: 2017-08-31. Review status: criteria provided, single submitter. Criteria: GeneDx Variant Classification (06012015). Collection method: clinical testing. Allele origin: germline. Affected: yes.
Comment: This variant is considered likely benign or benign based on one or more of the following criteria: it is a conservative change, it occurs at a poorly conserved position in the protein, it is predicted to be benign by multiple in silico algorithms, and/or has population frequency not consistent with disease.

NM_018993.4(RIN2):c.2154C>T (p.Ile718=)

Gene: RIN2 (Ras and Rab interactor 2; plus strand). Cytogenetic location: 20p11.23.
Variant type: single nucleotide variant.
Coding change: c.2154C>T on transcript NM_018993.4 (MANE Select); coding-DNA position 2154, C replaced by T.
Protein change: p.Ile718=; no amino-acid change (isoleucine 718 retained).
Molecular consequence: synonymous variant.
Genome position (GRCh38, 1-based): chr20:19,992,253, C>T. VCF-style: chr20-19992253-C-T. GRCh37 (hg19) VCF-style: chr20-19972897-C-T.
Other names: c.2301C>T, p.Ile767= (NM_001242581.2); c.1536C>T, p.Ile512= (NM_001378238.1).
Identifiers: ClinVar variation 511764 (VCV000511764.9), dbSNP rs370585277, ClinGen allele CA9780228.